The following is an entry in ClinVar:

NM_001378454.1(ALMS1):c.5090C>T (p.Pro1697Leu)

Gene: ALMS1 (ALMS1 centrosome and basal body associated protein; plus strand). Cytogenetic location: 2p13.1.
Variant type: single nucleotide variant.
Coding change: c.5090C>T on transcript NM_001378454.1 (MANE Select); coding-DNA position 5090, C replaced by T.
Protein change: p.Pro1697Leu; replaces proline 1697 with leucine.
Molecular consequence: missense variant.
Genome position (GRCh38, 1-based): chr2:73,451,617, C>T. VCF-style: chr2-73451617-C-T. GRCh37 (hg19) VCF-style: chr2-73678744-C-T.
Other names: c.5093C>T, p.Pro1698Leu (NM_015120.4); short protein forms P1697L, P1698L.
Identifiers: ClinVar variation 1444162 (VCV001444162.4), dbSNP rs2103785051, ClinGen allele CA347279923.

ClinVar aggregate classification (germline): Uncertain significance. Review status: criteria provided, single submitter (1 of 4 stars). 2 submissions from 2 submitters: Uncertain significance (1). 1 of the submissions does not count toward it. Last evaluated 2021-07-28.

Conditions:
Alstrom syndrome (ALMS). Identifiers: Orphanet 64, MedGen C0268425, MONDO:0008763, OMIM 203800.

Allele frequency attached by ClinVar (database versions not stated): gnomAD exomes below 0.00001.
gnomAD v4.1: 1 of 1,614,042 alleles (0.000062%); highest among the groups gnomAD compares: Non-Finnish European, 0.000085%; no homozygotes.

Submissions (2):

Labcorp Genetics (formerly Invitae), Labcorp
Classification: Uncertain significance for Alstrom syndrome. Last evaluated: 2021-07-28. Review status: criteria provided, single submitter. Criteria: Invitae Variant Classification Sherloc (09022015). Collection method: clinical testing. Allele origin: germline.
Comment: This sequence change replaces proline with leucine at codon 1698 of the ALMS1 protein (p.Pro1698Leu). The proline residue is weakly conserved and there is a moderate physicochemical difference between proline and leucine. This variant is not present in population databases (ExAC no frequency). This variant has not been reported in the literature in individuals affected with ALMS1-related conditions. Experimental studies and prediction algorithms are not available or were not evaluated, and the functional significance of this variant is currently unknown. In summary, the available evidence is currently insufficient to determine the role of this variant in disease. Therefore, it has been classified as a Variant of Uncertain Significance.

Natera, Inc.
Classification: Uncertain significance for Alstrom syndrome. Last evaluated: 2025-01-21. Review status: no assertion criteria provided. Collection method: clinical testing. Allele origin: germline. Not counted in ClinVar's aggregate classification.